The following is an entry in ClinVar:

ClinVar aggregate classification (germline): Benign. Review status: criteria provided, multiple submitters, no conflicts (2 of 4 stars). 2 submissions from 2 submitters: Benign (2). Last evaluated 2025-11-10.

Conditions:
Collagen 6-related myopathy. Identifiers: MedGen CN117976, MONDO:0100225.
Bethlem myopathy 1A. Also called: MYOPATHY, BENIGN CONGENITAL, WITH CONTRACTURES; Bethlem myopathy 1; Bethlem Muscular Dystrophy. Identifiers: Orphanet 610, MedGen CN029274, MONDO:0024530, OMIM 158810.

Allele frequency attached by ClinVar (database versions not stated): gnomAD 0.00003 and below 0.00001; gnomAD exomes 0.00007 and 0.00016; TOPMed 0.00001; ExAC 0.00019.
gnomAD v4.1: 108 of 1,614,022 alleles (0.0067%); highest among the groups gnomAD compares: South Asian, 0.12%; 2 homozygotes.

Submissions (2):

Labcorp Genetics (formerly Invitae), Labcorp
Classification: Benign for Bethlem myopathy 1A. Last evaluated: 2025-11-10. Review status: criteria provided, single submitter. Criteria: Invitae Variant Classification Sherloc (09022015). Collection method: clinical testing. Allele origin: germline.

Illumina Laboratory Services, Illumina
Classification: Benign for Collagen VI-related myopathy. Last evaluated: 2018-01-13. Review status: criteria provided, single submitter. Criteria: ICSL Variant Classification Criteria 13 December 2019. Collection method: clinical testing. Allele origin: germline.
Comment: This variant was observed in the ICSL laboratory as part of a predisposition screen in an ostensibly healthy population. It had not been previously curated by ICSL or reported in the Human Gene Mutation Database (HGMD: prior to June 1st, 2018), and was therefore a candidate for classification through an automated scoring system. Utilizing variant allele frequency, disease prevalence and penetrance estimates, and inheritance mode, an automated score was calculated to assess if this variant is too frequent to cause the disease. Based on the score and internal cut-off values, a variant classified as benign is not then subjected to further curation. The score for this variant resulted in a classification of benign for this disease.

NM_004369.4(COL6A3):c.3009A>T (p.Gly1003=)

Gene: COL6A3 (collagen type VI alpha 3 chain; minus strand). Cytogenetic location: 2q37.3.
Variant type: single nucleotide variant.
Coding change: c.3009A>T on transcript NM_004369.4 (MANE Select); coding-DNA position 3009, A replaced by T.
Protein change: p.Gly1003=; no amino-acid change (glycine 1003 retained).
Molecular consequence: synonymous variant.
Genome position (GRCh38, 1-based): chr2:237,376,833, T>A on the plus strand (A>T on the coding strand, the complement: COL6A3 is on the minus strand). VCF-style: chr2-237376833-T-A. GRCh37 (hg19) VCF-style: chr2-238285476-T-A.
Other names: c.1788A>T, p.Gly596= (NM_057164.5); c.2391A>T, p.Gly797= (NM_057165.5, NM_057167.4); c.1188A>T, p.Gly396= (NM_057166.5).
Identifiers: ClinVar variation 335133 (VCV000335133.12), dbSNP rs769667715, ClinGen allele CA2189271.